The following is an entry in ClinVar:

NM_000352.6(ABCC8):c.3641_3645dup (p.Phe1216fs)

Gene: ABCC8 (ATP binding cassette subfamily C member 8; minus strand). Cytogenetic location: 11p15.1.
Variant type: Duplication.
Coding change: c.3641_3645dup on transcript NM_000352.6 (MANE Select); coding-DNA positions 3641 to 3645, 5 bases duplicated (GGGCC; older notation c.3641_3645dupGGGCC).
Protein change: p.Phe1216fs; shifts the reading frame from phenylalanine 1216.
Molecular consequence: frameshift variant. On other transcripts: non-coding transcript variant (1).
Genome position (GRCh38, 1-based): chr11:17,402,666-17,402,670, GGCCC duplicated on the plus strand (GGGCC on the coding strand, the reverse complement: ABCC8 is on the minus strand); duplicating any 5 consecutive bases within chr11:17,402,666-17,402,672 gives the same sequence; the c. name uses the placement nearest the transcript's 3' end. VCF-style (leftmost placement, unchanged base first): chr11-17402665-A-AGGCCC. GRCh37 (hg19) VCF-style: chr11-17424212-A-AGGCCC.
Other names: c.3644_3648dup, p.Phe1217fs (NM_001287174.3); c.3707_3711dup, p.Phe1238fs (NM_001351295.2); c.3641_3645dup, p.Phe1216fs (NM_001351296.2); c.3638_3642dup, p.Phe1215fs (NM_001351297.2); short protein forms F1215fs, F1216fs, F1217fs, F1238fs.
Identifiers: ClinVar variation 4818251 (VCV004818251.1).

ClinVar aggregate classification (germline): Likely pathogenic (1 of 4 stars; one submission).

Conditions:
Hereditary hyperinsulinism.

Submission:

Natera, Inc.
Classification: Likely pathogenic for Hereditary hyperinsulinism. Last evaluated: 2024-11-04. Review status: criteria provided, single submitter. Criteria: Natera Variant Classification Schema (03/2026). Collection method: clinical testing. Allele origin: germline.
Comment: The c.3641_3645dup variant in ABCC8 is a frameshift variant predicted to shift the reading frame beginning at codon 1216 and leads to a stop codon 51 codons downstream. This variant is expected to result in nonsense mediated decay, truncation, or a dysfunctional protein product. This variant is rare in the general population with a frequency below the threshold expected for the associated phenotype(s). Given the available evidence, this variant is classified as Likely Pathogenic.